The following is an entry in ClinVar:

NM_000090.4(COL3A1):c.2134C>T (p.Pro712Ser)

Gene: COL3A1 (collagen type III alpha 1 chain; plus strand). Cytogenetic location: 2q32.2.
Variant type: single nucleotide variant.
Coding change: c.2134C>T on transcript NM_000090.4 (MANE Select); coding-DNA position 2134, C replaced by T.
Protein change: p.Pro712Ser; replaces proline 712 with serine.
Molecular consequence: missense variant.
Genome position (GRCh38, 1-based): chr2:188,999,482, C>T. VCF-style: chr2-188999482-C-T. GRCh37 (hg19) VCF-style: chr2-189864208-C-T.
Other names: short protein forms P712S.
Identifiers: ClinVar variation 920613 (VCV000920613.5), dbSNP rs1576468303, ClinGen allele CA349840564.

ClinVar aggregate classification (germline): Uncertain significance (1 of 4 stars; one submission).

Conditions:
Familial thoracic aortic aneurysm and aortic dissection (TAAD). Also called: Thoracic aortic aneurysms and dissections. Identifiers: Orphanet 91387, MedGen C4707243, MONDO:0019625.

gnomAD v4.1: 4 of 1,614,046 alleles (0.00025%); highest among the groups gnomAD compares: Non-Finnish European, 0.00034%; no homozygotes.

Submission:

Color Diagnostics, LLC DBA Color Health
Classification: Uncertain significance for Familial thoracic aortic aneurysm and aortic dissection. Last evaluated: 2023-12-05. Review status: criteria provided, single submitter. Criteria: ACMG Guidelines, 2015. Collection method: clinical testing. Allele origin: germline.
Comment: This missense variant replaces proline with serine at codon 712 of the COL3A1 protein. Computational prediction tools and conservation analyses are inconclusive regarding the impact of this variant on the protein function. Computational splicing tools suggest that this variant may not impact RNA splicing. To our knowledge, functional assays have not been performed for this variant nor has this variant been reported in individuals affected with cardiovascular disorders in the literature. This variant has not been identified in the general population by the Genome Aggregation Database (gnomAD). Available evidence is insufficient to determine the role of this variant in disease conclusively. Therefore, this variant is classified as a Variant of Uncertain Significance.